The following is an entry in ClinVar:

ClinVar aggregate classification (germline): Conflicting classifications of pathogenicity. Review status: criteria provided, conflicting classifications (1 of 4 stars). 7 submissions from 7 submitters: Uncertain significance (6); Likely benign (1). Last evaluated 2025-12-23.

Conditions:
BRCA2-related disorder. Also called: BRCA2-related condition; BRCA2-related disorders. Identifiers: MedGen CN239275.
BRCA2-related cancer predisposition. Identifiers: MedGen CN377758, MONDO:0700269.
Hereditary cancer-predisposing syndrome. Also called: Hereditary Cancer Syndrome; Tumor predisposition; Hereditary neoplastic syndrome; Neoplastic Syndromes, Hereditary. Identifiers: Orphanet 140162, MedGen C0027672, MeSH D009386, MONDO:0015356.
Hereditary breast ovarian cancer syndrome. Also called: Hereditary breast and/or ovarian cancer syndrome; Breast and ovarian cancer; BRCA1- and BRCA2-Associated Hereditary Breast and Ovarian Cancer; Hereditary breast and ovarian cancer syndrome (HBOC); Hereditary breast and ovarian cancer syndrome; Hereditary breast and ovarian cancer. Identifiers: Orphanet 145, MedGen C0677776, MeSH D061325, MONDO:0003582. Disease mechanism: loss of function.

gnomAD v4.1: 1 of 1,612,816 alleles (0.000062%); highest among the groups gnomAD compares: East Asian, 0.0022%; no homozygotes.

Submissions (7):

PreventionGenetics, part of Exact Sciences
Classification: Uncertain significance for BRCA2-related condition. Last evaluated: 2025-12-23. Review status: criteria provided, single submitter. Criteria: ACMG Guidelines, 2015. Collection method: clinical testing. Allele origin: germline.
Comment: The BRCA2 c.2033A>C variant is predicted to result in the amino acid substitution p.Asn678Thr. To our knowledge, this variant has not been reported in literature. This variant occurs within a region of the BRCA2 gene that is predicted to be tolerant to missense variation (Table 2, Dines et al. 2020. PubMed ID: 31911673). This variant is not present in a large population database (gnomAD) and has been interpreted as likely benign and a variant of uncertain significance in the ClinVar database (Variation ID: 433764). At this time, the clinical significance of this variant is uncertain due to the absence of conclusive functional and genetic evidence.

Ambry Genetics
Classification: Uncertain significance for Hereditary cancer-predisposing syndrome. Last evaluated: 2025-01-25. Review status: criteria provided, single submitter. Criteria: Ambry Variant Classification Scheme 2023. Collection method: clinical testing. Allele origin: germline.
Comment: The p.N678T variant (also known as c.2033A>C), located in coding exon 10 of the BRCA2 gene, results from an A to C substitution at nucleotide position 2033. The asparagine at codon 678 is replaced by threonine, an amino acid with similar properties. This amino acid position is not well conserved in available vertebrate species. In addition, this alteration is predicted to be tolerated by in silico analysis. Since supporting evidence is limited at this time, the clinical significance of this alteration remains unclear.

Labcorp Genetics (formerly Invitae), Labcorp
Classification: Uncertain significance for Hereditary breast ovarian cancer syndrome. Last evaluated: 2024-08-28. Review status: criteria provided, single submitter. Criteria: Invitae Variant Classification Sherloc (09022015). Collection method: clinical testing. Allele origin: germline.
Comment: This sequence change replaces asparagine, which is neutral and polar, with threonine, which is neutral and polar, at codon 678 of the BRCA2 protein (p.Asn678Thr). This variant is not present in population databases (gnomAD no frequency). This variant has not been reported in the literature in individuals affected with BRCA2-related conditions. ClinVar contains an entry for this variant (Variation ID: 433764). Invitae Evidence Modeling of protein sequence and biophysical properties (such as structural, functional, and spatial information, amino acid conservation, physicochemical variation, residue mobility, and thermodynamic stability) indicates that this missense variant is not expected to disrupt BRCA2 protein function with a negative predictive value of 95%. In summary, the available evidence is currently insufficient to determine the role of this variant in disease. Therefore, it has been classified as a Variant of Uncertain Significance.

Quest Diagnostics Nichols Institute San Juan Capistrano
Classification: Uncertain significance. Last evaluated: 2024-04-18. Review status: criteria provided, single submitter. Criteria: Quest Diagnostics criteria. Collection method: clinical testing. Allele origin: unknown.
Comment: The BRCA2 c.2033A>C (p.Asn678Thr) variant has been reported in the published literature in a large breast cancer incidence study (PMID: 38153744 (2023)). Also, it has been reported to be located in a region of the BRCA2 gene that is tolerant to missense sequence changes (PMID: 31911673 (2020)). This variant has not been reported in large, multi-ethnic general populations (Genome Aggregation Database). Analysis of this variant using bioinformatics tools for the prediction of the effect of amino acid changes on protein structure and function yielded predictions that this variant is benign. Based on the available information, we are unable to determine the clinical significance of this variant.

All of Us Research Program, National Institutes of Health
Classification: Uncertain significance for BRCA2-related cancer predisposition. Last evaluated: 2024-03-05. Review status: criteria provided, single submitter. Criteria: ACMG Guidelines, 2015. Collection method: clinical testing. Allele origin: germline. Inheritance: Autosomal dominant inheritance. Observed: 1 variant allele, 1 heterozygote.
Comment: This missense variant replaces asparagine with threonine at codon 678 of the BRCA2 protein. Computational prediction suggests that this variant may not impact protein structure and function (internally defined REVEL score threshold <= 0.5, PMID: 27666373). To our knowledge, functional studies have not been reported for this variant. This variant has not been reported in individuals affected with hereditary cancer in the literature. This variant has not been identified in the general population by the Genome Aggregation Database (gnomAD). The available evidence is insufficient to determine the role of this variant in disease conclusively. Therefore, this variant is classified as a Variant of Uncertain Significance.

This study involves interpretation of variants in research participants for the purpose of population health screening. Participant phenotype was not available at the time of variant classification. Additional details can be found in publication PMID: 35346344, PMCID: PMC8962531

University of Washington Department of Laboratory Medicine, University of Washington
Classification: Likely benign for Hereditary cancer-predisposing syndrome. Last evaluated: 2023-03-23. Review status: criteria provided, single submitter. Criteria: Dines et al. (Genet Med. 2020). Collection method: curation. Allele origin: germline.
Comment: Missense variant in a coldspot region where missense variants are very unlikely to be pathogenic (PMID:31911673).

BRCA2 exon 11 coldspot. Reclassification based on statistical prior probability.

Color Diagnostics, LLC DBA Color Health
Classification: Uncertain significance for Hereditary cancer-predisposing syndrome. Last evaluated: 2022-06-21. Review status: criteria provided, single submitter. Criteria: ACMG Guidelines, 2015. Collection method: clinical testing. Allele origin: germline.
Comment: This missense variant replaces asparagine with threonine at codon 678 of the BRCA2 protein. Computational prediction suggests that this variant may not impact protein structure and function (internally defined REVEL score threshold <= 0.5, PMID: 27666373). To our knowledge, functional studies have not been reported for this variant. This variant has not been reported in individuals affected with hereditary cancer in the literature. This variant has not been identified in the general population by the Genome Aggregation Database (gnomAD). The available evidence is insufficient to determine the role of this variant in disease conclusively. Therefore, this variant is classified as a Variant of Uncertain Significance.

Literature cited by the submitters: PubMed 38153744 (cited by Quest Diagnostics Nichols Institute San Juan Capistrano); PubMed 28726806 (cited by Quest Diagnostics Nichols Institute San Juan Capistrano); PubMed 30702160 (cited by Quest Diagnostics Nichols Institute San Juan Capistrano); PubMed 31911673 (cited by Quest Diagnostics Nichols Institute San Juan Capistrano).

NM_000059.4(BRCA2):c.2033A>C (p.Asn678Thr)

Gene: BRCA2 (BRCA2 DNA repair associated; plus strand). Cytogenetic location: 13q13.1.
Variant type: single nucleotide variant.
Coding change: c.2033A>C on transcript NM_000059.4 (MANE Select); coding-DNA position 2033, A replaced by C.
Protein change: p.Asn678Thr; replaces asparagine 678 with threonine.
Molecular consequence: missense variant.
Genome position (GRCh38, 1-based): chr13:32,336,388, A>C. VCF-style: chr13-32336388-A-C. GRCh37 (hg19) VCF-style: chr13-32910525-A-C.
Other names: short protein forms N678T.
Identifiers: ClinVar variation 433764 (VCV000433764.23), dbSNP rs1555282412, ClinGen allele CA387768887.
Genomic context (GRCh38, chr13:32,336,388, plus strand): 5'-CCTTAACTAGCTCTTTTGGGACAATTCTGAGGAAATGTTCTAGAAATGAAACATGTTCTA[A>C]TAATACAGTAATCTCTCAGGATCTTGATTATAAAGAAGCAAAATGTAATAAGGAAAAACT-3'
Protein context (NP_000050.3, residues 668-688): RKCSRNETCS[Asn678Thr]NTVISQDLDY